The following is an entry in ClinVar:

ClinVar aggregate classification (germline): Uncertain significance (1 of 4 stars; one submission).

Conditions:
Developmental and epileptic encephalopathy, 30 (DEE30). Also called: Epileptic encephalopathy, early infantile, 30. Identifiers: MedGen C4225360, MONDO:0014595, OMIM 616341.

Submission:

Labcorp Genetics (formerly Invitae), Labcorp
Classification: Uncertain significance for Developmental and epileptic encephalopathy, 30. Last evaluated: 2023-04-10. Review status: criteria provided, single submitter. Criteria: Invitae Variant Classification Sherloc (09022015). Collection method: clinical testing. Allele origin: germline.
Comment: In summary, the available evidence is currently insufficient to determine the role of this variant in disease. Therefore, it has been classified as a Variant of Uncertain Significance. An algorithm developed to predict the effect of missense changes on protein structure and function (PolyPhen-2) suggests that this variant is likely to be tolerated. This variant has not been reported in the literature in individuals affected with SIK1-related conditions. Information on the frequency of this variant in the gnomAD database is not available, as this variant may be reported differently in the database. This sequence change replaces valine, which is neutral and non-polar, with alanine, which is neutral and non-polar, at codon 566 of the SIK1 protein (p.Val566Ala).

NM_173354.5(SIK1):c.1697_1698delinsCT (p.Val566Ala)

Gene: SIK1 (salt inducible kinase 1; minus strand). Cytogenetic location: 21q22.3.
Variant type: Indel.
Coding change: c.1697_1698delinsCT on transcript NM_173354.5 (MANE Select); coding-DNA positions 1697 to 1698, TC replaced by CT.
Protein change: p.Val566Ala; replaces valine 566 with alanine.
Molecular consequence: missense variant.
Genome position (GRCh38, 1-based): chr21:43,418,306-43,418,307, GA replaced by AG on the plus strand (TC replaced by CT on the coding strand, the reverse complement: SIK1 is on the minus strand). VCF-style: chr21-43418306-GA-AG. GRCh37 (hg19) VCF-style: chr21-44838186-GA-AG.
Other names: short protein forms V566A.
Identifiers: ClinVar variation 2882177 (VCV002882177.3), dbSNP rs2516965168, ClinGen allele CA2739267696.